The following is an entry in ClinVar:

NM_182641.4(BPTF):c.3168ATC[1] (p.Ser1058del)

Gene: BPTF (bromodomain PHD finger transcription factor; plus strand). Cytogenetic location: 17q24.2.
Variant type: Microsatellite.
Coding change: c.3168ATC[1] on transcript NM_182641.4 (MANE Select); one copy of the 3-base unit ATC starting at c.3168; the reference has two copies in a row; one copy, 3 bases deleted.
Protein change: p.Ser1058del; deletes serine 1058.
Molecular consequence: inframe deletion.
Genome position (GRCh38, 1-based): chr17:67,911,055-67,911,057, ATC deleted; deleting any 3 consecutive bases within chr17:67,911,052-67,911,057 gives the same sequence; the position shown is the placement nearest the transcript's 3' end. VCF-style (leftmost placement, unchanged base first): chr17-67911051-AATC-A. GRCh37 (hg19) VCF-style: chr17-65907167-AATC-A.
Other names: c.3546ATC[1], p.Ser1184del (NM_004459.7); short protein forms S1058del, S1184del.
Identifiers: ClinVar variation 2500496 (VCV002500496.1), dbSNP rs2511451448, ClinGen allele CA2580613229.
Genomic context (GRCh38, chr17:67,911,051, plus strand): 5'-TAGATGTGGTCAATGTTAGTGAGGGTTTTCATCTAAGGACTAGTTACAAAAAGAAAACAA[AATC>A]ATCCAAACTAGATGGACTTCTTGAAAGGAGAATTAAACAGTTTACACTGGAAGAAAAACA-3'

ClinVar aggregate classification (germline): Uncertain significance (1 of 4 stars; one submission).

Submission:

GeneDx
Classification: Uncertain significance. Last evaluated: 2022-10-27. Review status: criteria provided, single submitter. Criteria: GeneDx Variant Classification Process June 2021. Collection method: clinical testing. Allele origin: germline. Affected: yes.
Comment: Not observed at significant frequency in large population cohorts (gnomAD); In-frame deletion of 1 amino acids in a non-repeat region; In silico analysis supports a deleterious effect on protein structure/function; Has not been previously published as pathogenic or benign to our knowledge